The following is an entry in ClinVar:

NM_000283.4(PDE6B):c.509A>G (p.Tyr170Cys)

Gene: PDE6B (phosphodiesterase 6B; plus strand). Cytogenetic location: 4p16.3.
Variant type: single nucleotide variant.
Coding change: c.509A>G on transcript NM_000283.4 (MANE Select); coding-DNA position 509, A replaced by G.
Protein change: p.Tyr170Cys; replaces tyrosine 170 with cysteine.
Molecular consequence: missense variant.
Genome position (GRCh38, 1-based): chr4:634,717, A>G. VCF-style: chr4-634717-A-G. GRCh37 (hg19) VCF-style: chr4-628506-A-G.
Other names: c.509A>G, p.Tyr170Cys (NM_001145291.2); short protein forms Y170C.
Identifiers: ClinVar variation 3614555 (VCV003614555.3).
Genomic context (GRCh38, chr4:634,717, plus strand): 5'-TCTTTCCTCTCTTGCGGCAGTGCCCTCACTTCAGCTCATTTGCTGACGAGCTCACTGACT[A>G]CAAGACAAAGAATATGCTGGCCACACCCATCATGAATGGCAAAGACGTCGTGGCGGTGAT-3'
Protein context (NP_000274.3, residues 160-180): FSSFADELTD[Tyr170Cys]KTKNMLATPI

ClinVar aggregate classification (germline): Uncertain significance. Review status: criteria provided, multiple submitters, no conflicts (2 of 4 stars). 2 submissions from 2 submitters: Uncertain significance (2). Last evaluated 2024-06-20.

gnomAD v4.1: 10 of 1,612,912 alleles (0.00062%); highest among the groups gnomAD compares: East Asian, 0.0022%; no homozygotes.

Submissions (2):

Labcorp Genetics (formerly Invitae), Labcorp
Classification: Uncertain significance. Last evaluated: 2024-06-20. Review status: criteria provided, single submitter. Criteria: Invitae Variant Classification Sherloc (09022015). Collection method: clinical testing. Allele origin: germline.
Comment: This sequence change replaces tyrosine, which is neutral and polar, with cysteine, which is neutral and slightly polar, at codon 170 of the PDE6B protein (p.Tyr170Cys). This variant is present in population databases (rs559622142, gnomAD 0.006%). This variant has not been reported in the literature in individuals affected with PDE6B-related conditions. Advanced modeling of protein sequence and biophysical properties (such as structural, functional, and spatial information, amino acid conservation, physicochemical variation, residue mobility, and thermodynamic stability) has been performed at Invitae for this missense variant, however the output from this modeling did not meet the statistical confidence thresholds required to predict the impact of this variant on PDE6B protein function. In summary, the available evidence is currently insufficient to determine the role of this variant in disease. Therefore, it has been classified as a Variant of Uncertain Significance.

Blueprint Genetics
Classification: Uncertain significance. Last evaluated: 2020-12-11. Review status: criteria provided, single submitter. Criteria: ACMG Guidelines, 2015. Collection method: clinical testing. Allele origin: germline.